The following is an entry in ClinVar:

NM_000263.4(NAGLU):c.2171_2172del (p.Val724fs)

Gene: NAGLU (N-acetyl-alpha-glucosaminidase; plus strand). Cytogenetic location: 17q21.2.
Variant type: Microsatellite.
Coding change: c.2171_2172del on transcript NM_000263.4 (MANE Select); coding-DNA positions 2171 to 2172, 2 bases deleted (TG; older notation c.2171_2172delTG).
Protein change: p.Val724fs; shifts the reading frame from valine 724.
Molecular consequence: frameshift variant.
Genome position (GRCh38, 1-based): chr17:42,544,177-42,544,178, TG deleted; deleting any 2 consecutive bases within chr17:42,544,175-42,544,178 gives the same sequence; the c. name uses the placement nearest the transcript's 3' end. VCF-style (leftmost placement, unchanged base first): chr17-42544174-CTG-C. GRCh37 (hg19) VCF-style: chr17-40696192-CTG-C.
Other names: short protein forms V724fs.
Identifiers: ClinVar variation 1346520 (VCV001346520.7), dbSNP rs2143116788, ClinGen allele CA645588253.

ClinVar aggregate classification (germline): Likely pathogenic. Review status: criteria provided, multiple submitters, no conflicts (2 of 4 stars). 2 submissions from 2 submitters: Likely pathogenic (2). Last evaluated 2024-02-21.

Conditions:
Charcot-Marie-Tooth disease axonal type 2V. Also called: CHARCOT-MARIE-TOOTH NEUROPATHY, TYPE 2V; CHARCOT-MARIE-TOOTH DISEASE, AXONAL, AUTOSOMAL DOMINANT, TYPE 2V. Identifiers: Orphanet 447964, MedGen C5569050, MONDO:0014665, OMIM 616491.
Mucopolysaccharidosis, MPS-III-B (MPS3B). Also called: MPS IIIB (Sanfilippo Syndrome Type B); N-ACETYL-ALPHA-D-GLUCOSAMINIDASE DEFICIENCY; NAGLU DEFICIENCY; MUCOPOLYSACCHARIDOSIS, TYPE IIIB; Mucopolysaccharidosis type IIIB (Sanfilippo B); SANFILIPPO SYNDROME B. Identifiers: Orphanet 79270, MedGen C0086648, MONDO:0009656, OMIM 252920.

Submissions (2):

Fulgent Genetics
Classification: Likely pathogenic for Mucopolysaccharidosis, MPS-III-B; Charcot-Marie-Tooth disease axonal type 2V. Last evaluated: 2024-02-21. Review status: criteria provided, single submitter. Criteria: ACMG Guidelines, 2015. Collection method: clinical testing. Allele origin: germline.

Labcorp Genetics (formerly Invitae), Labcorp
Classification: Likely pathogenic for Charcot-Marie-Tooth disease axonal type 2V; Mucopolysaccharidosis, MPS-III-B. Last evaluated: 2022-11-22. Review status: criteria provided, single submitter. Criteria: Invitae Variant Classification Sherloc (09022015). Collection method: clinical testing. Allele origin: germline.
Comment: This sequence change results in a frameshift in the NAGLU gene (p.Val724Glyfs*32). While this is not anticipated to result in nonsense mediated decay, it is expected to disrupt the last 20 amino acid(s) of the NAGLU protein and extend the protein by 11 additional amino acid residues. This variant is not present in population databases (gnomAD no frequency). This frameshift has been observed in individual(s) with mucopolysaccharidosis type III (PMID: 10094189). This variant disrupts a region of the NAGLU protein in which other variant(s) (p.Lys729del) have been observed in individuals with NAGLU-related conditions (PMID: 22976768). This suggests that this is a clinically significant region of the protein, and that variants that disrupt it are likely to be disease-causing. In summary, the currently available evidence indicates that the variant is pathogenic, but additional data are needed to prove that conclusively. Therefore, this variant has been classified as Likely Pathogenic.

Literature cited by the submitters: PubMed 10094189 (cited by Labcorp Genetics (formerly Invitae), Labcorp); PubMed 22976768 (cited by Labcorp Genetics (formerly Invitae), Labcorp).